The following is an entry in ClinVar:

NM_001297.5(CNGB1):c.3101T>C (p.Leu1034Pro)

Gene: CNGB1 (cyclic nucleotide gated channel subunit beta 1; minus strand). Cytogenetic location: 16q21.
Variant type: single nucleotide variant.
Coding change: c.3101T>C on transcript NM_001297.5 (MANE Select); coding-DNA position 3101, T replaced by C.
Protein change: p.Leu1034Pro; replaces leucine 1034 with proline.
Molecular consequence: missense variant.
Genome position (GRCh38, 1-based): chr16:57,897,538, A>G on the plus strand (T>C on the coding strand, the complement: CNGB1 is on the minus strand). VCF-style: chr16-57897538-A-G. GRCh37 (hg19) VCF-style: chr16-57931442-A-G.
Other names: c.3083T>C, p.Leu1028Pro (NM_001286130.2); short protein forms L1034P, L1028P.
Identifiers: ClinVar variation 1373388 (VCV001373388.8), dbSNP rs1324144173, ClinGen allele CA396066880.

ClinVar aggregate classification (germline): Uncertain significance (1 of 4 stars; one submission).

Allele frequency attached by ClinVar (database versions not stated): gnomAD exomes below 0.00001 and 0.00001; gnomAD 0.00001; TOPMed 0.00001.
gnomAD v4.1: 5 of 1,613,938 alleles (0.00031%); highest among the groups gnomAD compares: Admixed American, 0.005%; no homozygotes.

Submission:

Labcorp Genetics (formerly Invitae), Labcorp
Classification: Uncertain significance. Last evaluated: 2023-07-10. Review status: criteria provided, single submitter. Criteria: Invitae Variant Classification Sherloc (09022015). Collection method: clinical testing. Allele origin: germline.
Comment: This variant has not been reported in the literature in individuals affected with CNGB1-related conditions. This variant is present in population databases (no rsID available, gnomAD 0.006%). This sequence change replaces leucine, which is neutral and non-polar, with proline, which is neutral and non-polar, at codon 1034 of the CNGB1 protein (p.Leu1034Pro). ClinVar contains an entry for this variant (Variation ID: 1373388). In summary, the available evidence is currently insufficient to determine the role of this variant in disease. Therefore, it has been classified as a Variant of Uncertain Significance. Advanced modeling of protein sequence and biophysical properties (such as structural, functional, and spatial information, amino acid conservation, physicochemical variation, residue mobility, and thermodynamic stability) performed at Invitae indicates that this missense variant is expected to disrupt CNGB1 protein function.